The following is an entry in ClinVar:

NM_001378615.1(CC2D2A):c.3953C>G (p.Pro1318Arg)

Genes: FBXL5 (F-box and leucine rich repeat protein 5; minus strand), CC2D2A (coiled-coil and C2 domain containing 2A; plus strand). Cytogenetic location: 4p15.32.
Variant type: single nucleotide variant.
Coding change: c.3953C>G on transcript NM_001378615.1 (MANE Select); coding-DNA position 3953, C replaced by G.
Protein change: p.Pro1318Arg; replaces proline 1318 with arginine.
Molecular consequence: missense variant.
Genome position (GRCh38, 1-based): chr4:15,580,149, C>G. VCF-style: chr4-15580149-C-G. GRCh37 (hg19) VCF-style: chr4-15581772-C-G.
Other names: c.3953C>G, p.Pro1318Arg (NM_001080522.2); c.3806C>G, p.Pro1269Arg (NM_001378617.1); short protein forms P1269R, P1318R.
Identifiers: ClinVar variation 2107119 (VCV002107119.4), dbSNP rs1720596967, ClinGen allele CA356426680.

ClinVar aggregate classification (germline): Uncertain significance (1 of 4 stars; one submission).

Conditions:
Joubert syndrome. Also called: JOUBERT-BOLTSHAUSER SYNDROME; Familial aplasia of the vermis. Identifiers: Orphanet 475, MedGen C5979921, MONDO:0018772.
Meckel-Gruber syndrome. Also called: DYSENCEPHALIA SPLANCHNOCYSTICA; GRUBER SYNDROME; Dysencephalia splachnocystica. Identifiers: Orphanet 564, MedGen C0265215, MONDO:0018921.

Allele frequency attached by ClinVar (database versions not stated): gnomAD exomes below 0.00001.
gnomAD v4.1: 1 of 1,613,700 alleles (0.000062%); highest among the groups gnomAD compares: Non-Finnish European, 0.000085%; no homozygotes.

Submission:

Labcorp Genetics (formerly Invitae), Labcorp
Classification: Uncertain significance for Joubert syndrome; Meckel-Gruber syndrome. Last evaluated: 2022-05-31. Review status: criteria provided, single submitter. Criteria: Invitae Variant Classification Sherloc (09022015). Collection method: clinical testing. Allele origin: germline.
Comment: Algorithms developed to predict the effect of sequence changes on RNA splicing suggest that this variant may create or strengthen a splice site. In summary, the available evidence is currently insufficient to determine the role of this variant in disease. Therefore, it has been classified as a Variant of Uncertain Significance. Algorithms developed to predict the effect of missense changes on protein structure and function are either unavailable or do not agree on the potential impact of this missense change (SIFT: "Deleterious"; PolyPhen-2: "Benign"; Align-GVGD: "Class C0"). This sequence change replaces proline, which is neutral and non-polar, with arginine, which is basic and polar, at codon 1318 of the CC2D2A protein (p.Pro1318Arg). This variant is not present in population databases (gnomAD no frequency). This variant has not been reported in the literature in individuals affected with CC2D2A-related conditions.